The following is an entry in ClinVar:

NM_007118.4(TRIO):c.5896T>C (p.Ser1966Pro)

Gene: TRIO (trio Rho guanine nucleotide exchange factor; plus strand). Cytogenetic location: 5p15.2.
Variant type: single nucleotide variant.
Coding change: c.5896T>C on transcript NM_007118.4 (MANE Select); coding-DNA position 5896, T replaced by C.
Protein change: p.Ser1966Pro; replaces serine 1966 with proline.
Molecular consequence: missense variant. On other transcripts: non-coding transcript variant (1).
Genome position (GRCh38, 1-based): chr5:14,471,450, T>C. VCF-style: chr5-14471450-T-C. GRCh37 (hg19) VCF-style: chr5-14471559-T-C.
Other names: short protein forms S1966P.
Identifiers: ClinVar variation 2505279 (VCV002505279.1), dbSNP rs956541028, ClinGen allele CA114001532.

ClinVar aggregate classification (germline): Uncertain significance (1 of 4 stars; one submission).

Submission:

Greenwood Genetic Center Diagnostic Laboratories, Greenwood Genetic Center
Classification: Uncertain significance. Last evaluated: 2023-02-13. Review status: criteria provided, single submitter. Criteria: ACMG Guidelines, 2015. Collection method: clinical testing. Allele origin: germline. Affected: yes.
Comment: PM2